The following is an entry in ClinVar:

NM_002160.4(TNC):c.5657-9C>T

Gene: TNC (tenascin C; minus strand). Cytogenetic location: 9q33.1.
Variant type: single nucleotide variant.
Coding change: c.5657-9C>T on transcript NM_002160.4 (MANE Select); 9 bases into the intron before coding-DNA position 5657, C replaced by T.
Molecular consequence: intron variant.
Genome position (GRCh38, 1-based): chr9:115,035,343, G>A on the plus strand (C>T on the coding strand, the complement: TNC is on the minus strand). VCF-style: chr9-115035343-G-A. GRCh37 (hg19) VCF-style: chr9-117797622-G-A.
Identifiers: ClinVar variation 748717 (VCV000748717.6), dbSNP rs368535573, ClinGen allele CA5207577.

ClinVar aggregate classification (germline): Likely benign. Review status: criteria provided, multiple submitters, no conflicts (2 of 4 stars). 3 submissions from 3 submitters: Likely benign (3). Last evaluated 2025-06-30.

Conditions:
TNC-related disorder. Also called: TNC-related condition.

Allele frequency attached by ClinVar (database versions not stated): gnomAD exomes 0.00011; ExAC 0.00015; gnomAD 0.00031 and 0.00034; TOPMed 0.00039; ESP Exome Variant Server 0.00046; 1000 Genomes Project 0.00060; 1000 Genomes Project 30x 0.00062.

Submissions (3):

PreventionGenetics, part of Exact Sciences
Classification: Likely benign for TNC-related condition. Last evaluated: 2025-06-30. Review status: criteria provided, single submitter. Criteria: ACMG Guidelines, 2015. Collection method: clinical testing. Allele origin: germline.
Comment: This variant is classified as likely benign based on ACMG/AMP sequence variant interpretation guidelines (Richards et al. 2015 PMID: 25741868, with internal and published modifications).

GeneDx
Classification: Likely benign. Last evaluated: 2021-05-22. Review status: criteria provided, single submitter. Criteria: GeneDx Variant Classification Process June 2021. Collection method: clinical testing. Allele origin: germline. Affected: yes.

Labcorp Genetics (formerly Invitae), Labcorp
Classification: Likely benign. Last evaluated: 2018-06-06. Review status: criteria provided, single submitter. Criteria: Invitae Variant Classification Sherloc (09022015). Collection method: clinical testing. Allele origin: germline.